The following is an entry in ClinVar:

ClinVar aggregate classification (germline): Pathogenic/Likely pathogenic. Review status: criteria provided, multiple submitters, no conflicts (2 of 4 stars). 6 submissions from 6 submitters: Pathogenic (4); Likely pathogenic (2). Last evaluated 2025-12-31.

Conditions:
Severe early-childhood-onset retinal dystrophy (STGD1). Also called: Stargardt macular dystrophy; Juvenile onset macular degeneration; Stargardt disease 1; MACULAR DYSTROPHY WITH FLECKS, TYPE 1; STGD. Identifiers: Orphanet 364055, Orphanet 827, MedGen C1855465, MeSH D000080362, MONDO:0009549, OMIM 248200.
Retinal dystrophy. Also called: Inherited retinal dystrophy. Identifiers: Orphanet 71862, MedGen C0854723, MeSH D058499, MONDO:0019118, HP:0000556.
ABCA4-related disorder. Also called: ABCA4-related condition; ABCA4-related disorders. Identifiers: MedGen CN239167.

Allele frequency attached by ClinVar (database versions not stated): gnomAD exomes below 0.00001; TOPMed below 0.00001; ExAC 0.00001.
gnomAD v4.1: 2 of 1,614,200 alleles (0.00012%); highest among the groups gnomAD compares: South Asian, 0.0011%; no homozygotes.

Submissions (6):

Labcorp Genetics (formerly Invitae), Labcorp
Classification: Pathogenic. Last evaluated: 2025-12-31. Review status: criteria provided, single submitter. Criteria: Invitae Variant Classification Sherloc (09022015). Collection method: clinical testing. Allele origin: germline.
Comment: This sequence change replaces serine, which is neutral and polar, with leucine, which is neutral and non-polar, at codon 1096 of the ABCA4 protein (p.Ser1096Leu). This variant is present in population databases (rs763267492, gnomAD 0.003%). This missense change has been observed in individual(s) with Stargardt disease (PMID: 23755871, 28559085). In at least one individual the data is consistent with being in trans (on the opposite chromosome) from a pathogenic variant. ClinVar contains an entry for this variant (Variation ID: 1184970). Invitae Evidence Modeling of protein sequence and biophysical properties (such as structural, functional, and spatial information, amino acid conservation, physicochemical variation, residue mobility, and thermodynamic stability) indicates that this missense variant is expected to disrupt ABCA4 protein function with a positive predictive value of 95%. For these reasons, this variant has been classified as Pathogenic.

Genomic Medicine Center of Excellence, King Faisal Specialist Hospital and Research Centre
Classification: Pathogenic for Severe early-childhood-onset retinal dystrophy. Last evaluated: 2024-03-26. Review status: criteria provided, single submitter. Criteria: ACMG Guidelines, 2015. Collection method: clinical testing. Allele origin: germline.

Dept Of Ophthalmology, Nagoya University
Classification: Pathogenic for Retinal dystrophy. Last evaluated: 2023-10-01. Review status: criteria provided, single submitter. Criteria: Submitter's publication. Collection method: research. Allele origin: germline. Affected: yes.

Blueprint Genetics
Classification: Pathogenic for ABCA4-related disorders. Last evaluated: 2022-09-05. Review status: criteria provided, single submitter. Criteria: ACMG Guidelines, 2015. Collection method: clinical testing. Allele origin: germline. Affected: yes. Observed: 1 variant allele.

Institute of Medical Genetics and Applied Genomics, University Hospital Tübingen
Classification: Likely pathogenic. Last evaluated: 2021-06-17. Review status: criteria provided, single submitter. Criteria: ACMG Guidelines, 2015. Collection method: clinical testing. Allele origin: germline. Inheritance: Autosomal recessive inheritance. Affected: yes.

Institute of Human Genetics, Univ. Regensburg, Univ. Regensburg
Classification: Likely pathogenic for Retinal dystrophy. Last evaluated: 2017-01-01. Review status: criteria provided, single submitter. Criteria: ACMG Guidelines, 2015. Collection method: clinical testing. Allele origin: germline. Affected: yes.

Literature cited by the submitters: PubMed 23755871 (cited by Labcorp Genetics (formerly Invitae), Labcorp and Institute of Human Genetics, Univ. Regensburg, Univ. Regensburg); PubMed 28559085 (cited by Labcorp Genetics (formerly Invitae), Labcorp and Institute of Human Genetics, Univ. Regensburg, Univ. Regensburg); PubMed 29925512 (cited by Institute of Human Genetics, Univ. Regensburg, Univ. Regensburg); PubMed 31213501 (cited by Institute of Human Genetics, Univ. Regensburg, Univ. Regensburg); PubMed 32619608 (cited by Institute of Human Genetics, Univ. Regensburg, Univ. Regensburg); PubMed 31964843 (cited by Institute of Human Genetics, Univ. Regensburg, Univ. Regensburg); PubMed 32845068 (cited by Institute of Human Genetics, Univ. Regensburg, Univ. Regensburg); PubMed 33302505 (cited by Institute of Human Genetics, Univ. Regensburg, Univ. Regensburg); PubMed 33261146 (cited by Institute of Human Genetics, Univ. Regensburg, Univ. Regensburg); PubMed 34426522 (cited by Institute of Human Genetics, Univ. Regensburg, Univ. Regensburg); PubMed 35119454 (cited by Institute of Human Genetics, Univ. Regensburg, Univ. Regensburg).

NM_000350.3(ABCA4):c.3287C>T (p.Ser1096Leu)

Gene: ABCA4 (ATP binding cassette subfamily A member 4; minus strand). Cytogenetic location: 1p22.1.
Variant type: single nucleotide variant.
Coding change: c.3287C>T on transcript NM_000350.3 (MANE Select); coding-DNA position 3287, C replaced by T.
Protein change: p.Ser1096Leu; replaces serine 1096 with leucine.
Molecular consequence: missense variant.
Genome position (GRCh38, 1-based): chr1:94,042,802, G>A on the plus strand (C>T on the coding strand, the complement: ABCA4 is on the minus strand). VCF-style: chr1-94042802-G-A. GRCh37 (hg19) VCF-style: chr1-94508358-G-A.
Other names: c.3065C>T, p.Ser1022Leu (NM_001425324.1); short protein forms S1096L, S1022L.
Identifiers: ClinVar variation 1184970 (VCV001184970.12), dbSNP rs763267492, ClinGen allele CA957995.